The following is an entry in ClinVar:

ClinVar aggregate classification (germline): Pathogenic/Likely pathogenic. Review status: criteria provided, multiple submitters, no conflicts (2 of 4 stars). 2 submissions from 2 submitters: Pathogenic (1); Likely pathogenic (1). Last evaluated 2024-05-23.

Conditions:
Citrullinemia type I (CTNL1). Also called: argininosuccinate synthetase deficiency; ASS DEFICIENCY. Identifiers: Orphanet 247525, MedGen C4721769, MONDO:0008988, OMIM 215700.

Allele frequency attached by ClinVar (database versions not stated): ExAC 0.00001.
gnomAD v4.1: 7 of 1,614,096 alleles (0.00043%); highest among the groups gnomAD compares: Non-Finnish European, 0.00059%; no homozygotes.

Submissions (2):

Natera, Inc.
Classification: Likely pathogenic for Citrullinemia type I. Last evaluated: 2024-05-23. Review status: criteria provided, single submitter. Criteria: Natera Variant Classification Schema (03/2026). Collection method: clinical testing. Allele origin: germline.
Comment: The c.364-2A>C variant in ASS1 is a canonical splice acceptor site variant predicted to affect pre-mRNA splicing, which may result in an abnormal transcript and altered protein product. This variant is expected to result in nonsense mediated decay, truncation, or a dysfunctional protein product. This variant is rare in the general population with a frequency below the threshold expected for the associated phenotype(s). Given the available evidence, this variant is classified as Likely Pathogenic.

Baylor Genetics
Classification: Pathogenic for Citrullinemia type I. Last evaluated: 2023-08-25. Review status: criteria provided, single submitter. Criteria: ACMG Guidelines, 2015. Collection method: clinical testing. Allele origin: unknown.

NM_054012.4(ASS1):c.364-2A>C

Gene: ASS1 (argininosuccinate synthase 1; plus strand). Cytogenetic location: 9q34.11.
Variant type: single nucleotide variant.
Coding change: c.364-2A>C on transcript NM_054012.4 (MANE Select); the canonical splice acceptor site of the intron before coding-DNA position 364, A replaced by C.
Molecular consequence: splice acceptor variant.
Genome position (GRCh38, 1-based): chr9:130,464,109, A>C. VCF-style: chr9-130464109-A-C. GRCh37 (hg19) VCF-style: chr9-133339496-A-C.
Other names: c.364-2A>C (NM_000050.4).
Identifiers: ClinVar variation 2679013 (VCV002679013.2), dbSNP rs774231051, ClinGen allele CA5283258.